The following is an entry in ClinVar:

ClinVar aggregate classification (germline): Likely benign. Review status: criteria provided, multiple submitters, no conflicts (2 of 4 stars). 3 submissions from 3 submitters: Likely benign (3). Last evaluated 2026-07-22.

Conditions:
ZBTB20-related disorder. Also called: ZBTB20-related condition.

Allele frequency attached by ClinVar (database versions not stated): TOPMed 0.00048; gnomAD exomes 0.00002; gnomAD 0.00020 and 0.00021; 1000 Genomes Project 30x 0.00031; 1000 Genomes Project 0.00040.
gnomAD v4.1: 54 of 1,536,090 alleles (0.0035%); highest among the groups gnomAD compares: Admixed American, 0.079%; no homozygotes.

Submissions (3):

PreventionGenetics, part of Exact Sciences
Classification: Likely benign for ZBTB20-related condition. Last evaluated: 2026-07-22. Review status: criteria provided, single submitter. Criteria: ACMG Guidelines, 2015. Collection method: clinical testing. Allele origin: germline.
Comment: This variant is classified as likely benign based on ACMG/AMP sequence variant interpretation guidelines (Richards et al. 2015 PMID: 25741868, with internal and published modifications).

Labcorp Genetics (formerly Invitae), Labcorp
Classification: Likely benign. Last evaluated: 2026-01-05. Review status: criteria provided, single submitter. Criteria: Invitae Variant Classification Sherloc (09022015). Collection method: clinical testing. Allele origin: germline.

Women's Health and Genetics/Laboratory Corporation of America, LabCorp
Classification: Likely benign. Last evaluated: 2025-12-23. Review status: criteria provided, single submitter. Criteria: LabCorp Variant Classification Summary - May 2015. Collection method: clinical testing. Allele origin: germline.
Comment: Variant summary: ZBTB20 c.188G>A (p.Gly63Glu) results in a non-conservative amino acid change in the encoded protein sequence. Algorithms developed to predict the effect of missense changes on protein structure and function are either unavailable or do not agree on the potential impact of this missense change. The variant allele was found at a frequency of 2.1e-05 in 142900 control chromosomes (gnomAD v2). The available data on variant occurrences in the general population are insufficient to allow any conclusion about variant significance. However, this variant was observed as 54 heterozygotes in the gnomAD v4 database. To our knowledge, no occurrence of c.188G>A in individuals affected with ZBTB20-related conditions and no experimental evidence demonstrating its impact on protein function have been reported. ClinVar contains an entry for this variant (Variation ID: 722701). Based on the evidence outlined above, the variant was classified as likely benign.

NM_001348800.3(ZBTB20):c.188G>A (p.Gly63Glu)

Genes: ZBTB20 (zinc finger and BTB domain containing 20; minus strand), ZBTB20-AS1 (ZBTB20 antisense RNA 1; plus strand). Cytogenetic location: 3q13.31.
Variant type: single nucleotide variant.
Coding change: c.188G>A on transcript NM_001348800.3 (MANE Select); coding-DNA position 188, G replaced by A.
Protein change: p.Gly63Glu; replaces glycine 63 with glutamic acid.
Molecular consequence: missense variant. On other transcripts: 5 prime UTR variant (12), non-coding transcript variant (1).
Genome position (GRCh38, 1-based): chr3:114,380,228, C>T on the plus strand (G>A on the coding strand, the complement: ZBTB20 is on the minus strand). VCF-style: chr3-114380228-C-T. GRCh37 (hg19) VCF-style: chr3-114099075-C-T.
Other names: c.188G>A, p.Gly63Glu (NM_001164342.2, NM_001348803.3, NM_001393393.1 and 1 more transcripts); c.-32G>A (NM_001164343.2, NM_001164344.4, NM_001164345.4 and 9 more transcripts); short protein forms G63E.
Identifiers: ClinVar variation 722701 (VCV000722701.12), dbSNP rs182068139, ClinGen allele CA81681003.
Genomic context (GRCh38, chr3:114,380,228, plus strand): 5'-CACTACTCCAAGCACTGCAAAGACACCATCACCTTAGTGGTGTACTCACAATCAGATGAC[C>T]CGGTGTGAGCGTGAGAGTTTGTCAGTGAATGTGTTGAGTGGATGAGGGCTGGGTCTGGAG-3'
Protein context (NP_001335729.1, residues 53-73): HSLTNSHAHT[Gly63Glu]SSDCDISCKG